The following is an entry in ClinVar:

NM_000059.4(BRCA2):c.7447A>G (p.Ser2483Gly)

Gene: BRCA2 (BRCA2 DNA repair associated; plus strand). Cytogenetic location: 13q13.1.
Variant type: single nucleotide variant.
Coding change: c.7447A>G on transcript NM_000059.4 (MANE Select); coding-DNA position 7447, A replaced by G.
Protein change: p.Ser2483Gly; replaces serine 2483 with glycine.
Molecular consequence: missense variant.
Genome position (GRCh38, 1-based): chr13:32,356,439, A>G. VCF-style: chr13-32356439-A-G. GRCh37 (hg19) VCF-style: chr13-32930576-A-G.
Other names: short protein forms S2483G.
Identifiers: ClinVar variation 52334 (VCV000052334.36), dbSNP rs80358966, ClinGen allele CA025093.

ClinVar aggregate classification (germline): Uncertain significance. Review status: criteria provided, multiple submitters, no conflicts (2 of 4 stars). 14 submissions from 14 submitters: Uncertain significance (11). 3 of the submissions do not count toward it. Last evaluated 2025-10-29.

Conditions:
Breast-ovarian cancer, familial, susceptibility to, 2 (BROVCA2). Also called: BRCA2 Hereditary Breast and Ovarian Cancer. Identifiers: Orphanet 145, MedGen C2675520, MONDO:0012933, OMIM 612555. Disease mechanism: loss of function.
Fanconi anemia complementation group D1. Also called: BRCA2-Related Fanconi Anemia. Identifiers: Orphanet 319462, MedGen C1838457, MONDO:0011584, OMIM 605724.
Medulloblastoma (MDB). Also called: MEDULLOBLASTOMA PREDISPOSITION SYNDROME; Medulloblastoma, somatic. Identifiers: Orphanet 616, MedGen C0025149, MeSH D008527, MONDO:0007959, OMIM 155255, HP:0002885.
Pancreatic cancer, susceptibility to, 2. Identifiers: Orphanet 1333, MedGen C3150546, MONDO:0013235, OMIM 613347.
Glioma susceptibility 3 (GLM3). Also called: Glioblastoma 3. Identifiers: Orphanet 182067, Orphanet 360, MedGen C2751641, MONDO:0013093, OMIM 613029.
Wilms tumor 1 (WT1). Also called: Wilms tumor, somatic. Identifiers: Orphanet 654, MedGen CN033288, MONDO:0008679, OMIM 194070.
Familial cancer of breast. Also called: hereditary breast carcinoma; BREAST CANCER, FAMILIAL; Hereditary breast cancer. Identifiers: Orphanet 227535, MedGen C0346153, MONDO:0016419, OMIM 114480. Disease mechanism: loss of function.
Prostate cancer. Also called: Malignant tumor of prostate. Identifiers: Orphanet 1331, MedGen C0376358, MONDO:0008315, HP:0012125.
Hereditary cancer-predisposing syndrome. Also called: Hereditary Cancer Syndrome; Neoplastic Syndromes, Hereditary; Hereditary neoplastic syndrome; Tumor predisposition. Identifiers: Orphanet 140162, MedGen C0027672, MeSH D009386, MONDO:0015356.
Hereditary breast ovarian cancer syndrome. Also called: Hereditary breast and ovarian cancer syndrome; Breast and ovarian cancer; Hereditary breast and ovarian cancer syndrome (HBOC); BRCA1- and BRCA2-Associated Hereditary Breast and Ovarian Cancer; Hereditary breast and/or ovarian cancer syndrome; Hereditary breast and ovarian cancer. Identifiers: Orphanet 145, MedGen C0677776, MeSH D061325, MONDO:0003582. Disease mechanism: loss of function.

Allele frequency attached by ClinVar (database versions not stated): ExAC 0.00001; gnomAD exomes below 0.00001 and 0.00002; TOPMed 0.00002; gnomAD 0.00001.
gnomAD v4.1: 7 of 1,613,452 alleles (0.00043%); highest among the groups gnomAD compares: Admixed American, 0.0067%; no homozygotes.

Submissions 1 to 6 of 14:

Labcorp Genetics (formerly Invitae), Labcorp
Classification: Uncertain significance for Hereditary breast ovarian cancer syndrome. Last evaluated: 2025-10-29. Review status: criteria provided, single submitter. Criteria: Invitae Variant Classification Sherloc (09022015). Collection method: clinical testing. Allele origin: germline.
Comment: This sequence change replaces serine, which is neutral and polar, with glycine, which is neutral and non-polar, at codon 2483 of the BRCA2 protein (p.Ser2483Gly). This variant is present in population databases (rs80358966, gnomAD 0.009%). This missense change has been observed in individual(s) with breast cancer, esophageal squamous cell carcinoma, and/or ovarian cancer (PMID: 11979449, 12955716, 21735045, 31396961). It has also been observed to segregate with disease in related individuals. ClinVar contains an entry for this variant (Variation ID: 52334). Invitae Evidence Modeling of protein sequence and biophysical properties (such as structural, functional, and spatial information, amino acid conservation, physicochemical variation, residue mobility, and thermodynamic stability) indicates that this missense variant is not expected to disrupt BRCA2 protein function with a negative predictive value of 95%. Experimental studies have shown that this missense change does not substantially affect BRCA2 function (PMID: 33293522). RNA analysis performed to evaluate the impact of this missense change on mRNA splicing indicates it does not significantly alter splicing (PMID: 31191615, 31343793; internal data). In summary, the available evidence is currently insufficient to determine the role of this variant in disease. Therefore, it has been classified as a Variant of Uncertain Significance.

Clinical Genetics Laboratory, Skane University Hospital Lund
Classification: Uncertain significance for Breast-ovarian cancer, familial, susceptibility to, 2. Last evaluated: 2025-03-13. Review status: criteria provided, single submitter. Criteria: ACMG Guidelines, 2015. Collection method: clinical testing. Allele origin: germline. Affected: yes.
Comment: ACMG criteria used: PP3.

Women's Health and Genetics/Laboratory Corporation of America, LabCorp
Classification: Uncertain significance. Last evaluated: 2024-11-07. Review status: criteria provided, single submitter. Criteria: LabCorp Variant Classification Summary - May 2015. Collection method: clinical testing. Allele origin: germline.
Comment: Variant summary: BRCA2 c.7447A>G (p.Ser2483Gly) results in a non-conservative amino acid change located in the Breast cancer type 2 susceptibility protein, helical domain (IPR015252) of the encoded protein sequence. Three of five in-silico tools predict a benign effect of the variant on protein function.A computational method that produces a probabilistic likelihood ratio has predicted a neutral impact (Karchin_2008). 5/5 computational tools predict no significant impact on normal splicing at the canonical splice acceptor site although three tools predicted the creation of a new exonic acceptor site located 12 nucleotides downstream from the canonical splice acceptor site (Montalban_2019). At-least two studies reported a very low levels (10%) of transcript lacking 12 nucleotides from the 5' end of exon 15, while the majority of transcripts (90%) were full length (Montalban_2019, Fraile-Bethencourt_2019). However, the exact in-vivo consequences of these findings is not clear. The variant allele was found at a frequency of 1.6e-05 in 251306 control chromosomes. The available data on variant occurrences in the general population are insufficient to allow any conclusion about variant significance. c.7447A>G has been reported in the literature in individuals from a Spanish family affected with breast cancer (Osorio_2002) that has been subsequently cited by others (Diez_2003, Montalban_2019) and in one case from a study of Esophageal squamous carcinoma in China (Ko_2020). Tumor analysis performed in the initial report from the Spanish family demonstrated retention of the wild-type allele and loss of the allele harbouring the variant confirming that the variant is not deleterious (Osorio_2002). Therefore, these report(s) do not provide unequivocal conclusions about association of the variant with Hereditary Breast And Ovarian Cancer Syndrome. At least one publication reports experimental evidence evaluating an impact on protein function (Biswas_2020). These results showed "no damaging effect" of this variant in a mouse embryonic stem cell-based functional assay examining the ability to rescue the lethality of BRCA2 null mESC as well as sensitivity to six DNA damaging agents including ionizing radiation and a PARP inhibitor. This finding is consistent with the predominantly wild-type transcript pattern in the splicing assays summarized above. The following publications have been ascertained in the context of this evaluation (PMID: 33293522, 12955716, 31191615, 19043619, 31396961, 21735045, 31343793, 11979449, 32522261, 16685647). ClinVar contains an entry for this variant (Variation ID: 52334). Based on the evidence outlined above, the variant was classified as uncertain significance.

GeneDx
Classification: Uncertain significance. Last evaluated: 2024-09-15. Review status: criteria provided, single submitter. Criteria: GeneDx Variant Classification Process June 2021. Collection method: clinical testing. Allele origin: germline. Affected: yes.
Comment: Published functional studies demonstrate that this variant results in cell survival similar to wild-type in assays evaluating ability to rescue BRCA2-null lethality and sensitivity to DNA damaging agents (PMID: 33293522); Published splicing studies demonstrate an incomplete splice impact, with the majority of transcripts being full-length while only a minority of transcripts lacked the first 12 nucleotides of exon 15 (PMID: 31343793, 31191615, 30472649); In silico analysis supports a deleterious effect on splicing; Not observed at significant frequency in large population cohorts (gnomAD); In silico analysis supports that this missense variant does not alter protein structure/function; Also known as 7675A>G; This variant is associated with the following publications: (PMID: 19043619, 21523855, 11979449, 12955716, 16685647, 26913838, 31191615, 30472649, 21735045, 32522261, 31396961, 33471991, 12228710, 31343793, 33293522)

Hereditary Cancer Laboratory, Hospital Universitario 12 de Octubre
Classification: Uncertain significance for Hereditary cancer-predisposing syndrome. Last evaluated: 2024-09-11. Review status: criteria provided, single submitter. Criteria: ACMG Guidelines, 2015. Collection method: clinical testing. Allele origin: germline.
Comment: PM2, BP4

Color Diagnostics, LLC DBA Color Health
Classification: Uncertain significance for Hereditary cancer-predisposing syndrome. Last evaluated: 2024-08-20. Review status: criteria provided, single submitter. Criteria: ACMG Guidelines, 2015. Collection method: clinical testing. Allele origin: germline.
Comment: This missense variant replaces serine with glycine at codon 2483 of the BRCA2 protein. Computational prediction suggests that this variant may not impact protein structure and function. A functional study has reported that this variant does not impact BRCA2 function in Brca2-deficient mouse embryonic stem cells (PMID: 33293522). A RNA study reported that this variant resulted in 10% of transcripts with an in-frame partial deletion of exon 15, resulting in the protein change p.Asp2479_Ser2483delinsGly (PMID: 31191615). This variant has been reported in individuals affected with breast or ovarian cancer (PMID: 11979449, 12955716, 16685647, 21735045), an individual with breast/ovarian cancer or Lynch syndrome (PMID: 32522261) and an unaffected individual (PMID: 33471991; Leiden Open Variation Database DB-ID BRCA2_000190). A multifactorial analysis has reported a likelihood ratio for pathogenicity based on personal and family history of 1.995 from log(LR)=0.299923688 (PMID: 31853058). This variant has been identified in 4/251306 chromosomes in the general population by the Genome Aggregation Database (gnomAD). The available evidence is insufficient to determine the role of this variant in disease conclusively. Therefore, this variant is classified as a Variant of Uncertain Significance.